The following is an entry in ClinVar:

NM_001365951.3(KIF1B):c.1589A>G (p.Lys530Arg)

Gene: KIF1B (kinesin family member 1B; plus strand). Cytogenetic location: 1p36.22.
Variant type: single nucleotide variant.
Coding change: c.1589A>G on transcript NM_001365951.3 (MANE Select); coding-DNA position 1589, A replaced by G.
Protein change: p.Lys530Arg; replaces lysine 530 with arginine.
Molecular consequence: missense variant.
Genome position (GRCh38, 1-based): chr1:10,292,121, A>G. VCF-style: chr1-10292121-A-G. GRCh37 (hg19) VCF-style: chr1-10352179-A-G.
Other names: c.1589A>G, p.Lys530Arg (NM_001365952.1); c.1451A>G, p.Lys484Arg (NM_001365953.1, NM_015074.3, NM_183416.4); short protein forms K484R, K530R.
Identifiers: ClinVar variation 2448784 (VCV002448784.6), dbSNP rs1650030708, ClinGen allele CA338313560.

ClinVar aggregate classification (germline): Uncertain significance. Review status: criteria provided, multiple submitters, no conflicts (2 of 4 stars). 2 submissions from 2 submitters: Uncertain significance (2). Last evaluated 2025-12-17.

Conditions:
Charcot-Marie-Tooth disease type 2. Also called: Charcot-Marie-Tooth type 2. Identifiers: Orphanet 64746, MedGen C0270914, MONDO:0018993.

Allele frequency attached by ClinVar (database versions not stated): TOPMed below 0.00001.
gnomAD v4.1: 1 of 1,612,918 alleles (0.000062%); highest among the groups gnomAD compares: African/African-American, 0.0013%; no homozygotes.

Submissions (2):

Labcorp Genetics (formerly Invitae), Labcorp
Classification: Uncertain significance for Charcot-Marie-Tooth disease type 2. Last evaluated: 2025-12-17. Review status: criteria provided, single submitter. Criteria: Invitae Variant Classification Sherloc (09022015). Collection method: clinical testing. Allele origin: germline.
Comment: This sequence change replaces lysine, which is basic and polar, with arginine, which is basic and polar, at codon 484 of the KIF1B protein (p.Lys484Arg). This variant is not present in population databases (gnomAD no frequency). This variant has not been reported in the literature in individuals affected with KIF1B-related conditions. ClinVar contains an entry for this variant (Variation ID: 2448784). An algorithm developed to predict the effect of missense changes on protein structure and function (PolyPhen-2) suggests that this variant is likely to be disruptive. Algorithms developed to predict the effect of sequence changes on RNA splicing suggest that this variant may disrupt the consensus splice site. In summary, the available evidence is currently insufficient to determine the role of this variant in disease. Therefore, it has been classified as a Variant of Uncertain Significance.

Ambry Genetics
Classification: Uncertain significance. Last evaluated: 2025-05-03. Review status: criteria provided, single submitter. Criteria: Ambry Variant Classification Scheme 2023. Collection method: clinical testing. Allele origin: germline.
Comment: The p.K484R variant (also known as c.1451A>G), located in coding exon 14 of the KIF1B gene, results from an A to G substitution at nucleotide position 1451. The lysine at codon 484 is replaced by arginine, an amino acid with highly similar properties. This amino acid position is conserved. In addition, the in silico prediction for this alteration is inconclusive. Since supporting evidence is limited at this time, the clinical significance of this alteration remains unclear.